The following is an entry in ClinVar:

ClinVar aggregate classification (germline): Uncertain significance (1 of 4 stars; one submission).

Conditions:
Spastic paraplegia. Identifiers: MedGen C0037772, HP:0001258.

Submission:

Labcorp Genetics (formerly Invitae), Labcorp
Classification: Uncertain significance for Spastic paraplegia. Last evaluated: 2022-10-18. Review status: criteria provided, single submitter. Criteria: Invitae Variant Classification Sherloc (09022015). Collection method: clinical testing. Allele origin: germline.
Comment: A copy number gain of the genomic region encompassing the full coding sequence of the GJC2 gene has been identified. The boundaries of this event are unknown as they extend beyond the assayed region for this gene and therefore may encompass additional genes. As the precise location of this event is unknown, it may be in tandem or it may be located elsewhere in the genome. This variant has not been reported in the literature in individuals affected with GJC2-related conditions. In summary, the available evidence is currently insufficient to determine the role of this variant in disease. Therefore, it has been classified as a Variant of Uncertain Significance.

NC_000001.10:g.(?_228337558)_(228346779_?)dup

Gene: GJC2 (gap junction protein gamma 2; plus strand). Cytogenetic location: 1q42.13.
Variant type: Duplication.
Identifiers: ClinVar variation 2426551 (VCV002426551.3).